The following is an entry in ClinVar:

ClinVar aggregate classification (germline): Likely pathogenic (1 of 4 stars; one submission).

Conditions:
PKD1-related disorder. Also called: PKD1-related condition.

Submission:

PreventionGenetics, part of Exact Sciences
Classification: Likely pathogenic for PKD1-related condition. Last evaluated: 2024-11-12. Review status: criteria provided, single submitter. Criteria: ACMG Guidelines, 2015. Collection method: clinical testing. Allele origin: germline.
Comment: The PKD1 c.9969_9995del27 variant is predicted to result in an in-frame deletion (p.Ala3324_Val3332del). To our knowledge, this variant has not been reported in the literature or in a large population database (gnomAD), indicating this variant is rare. However, several rare missense variants within this small in-frame deletion interval have been reported in individuals with autosomal dominant polycystic kidney disease (ADPKD) (Supplementary Table 4, p.Gly3326Arg in Garcia-Gonzalez et al. 2007. PubMed ID: 17574468; p.Gly3326Asp in Neumann et al. 2013. PubMed ID: 23300259 and Wilson et al. 2020. PubMed ID: 35372954; p.Ser3329Phe in Marinakis et al. 2021. PubMed ID: 34008892). These findings indicate that these codons are critical for the protein function. Therefore, an in-frame deletion of this region is expected to result in a loss-of-function effect, which is the known disease-causing mechanism for PKD1 to ADPKD. Of note, in-frame small deletions in PKD1 have been widely reported to be pathogenic for ADPKD. This variant is interpreted as likely pathogenic.

NM_001009944.3(PKD1):c.9969_9995del (p.Ala3324_Val3332del)

Gene: PKD1 (polycystin 1, transient receptor potential channel interacting; minus strand). Cytogenetic location: 16p13.3.
Variant type: Deletion.
Coding change: c.9969_9995del on transcript NM_001009944.3 (MANE Select); coding-DNA positions 9969 to 9995, 27 bases deleted (CGCTGTTGGCCTGGTGTCCAGCGTGGT).
Protein change: p.Ala3324_Val3332del.
Molecular consequence: inframe deletion. On other transcripts: inframe indel (1).
Genome position (GRCh38, 1-based): chr16:2,099,699-2,099,725, ACCACGCTGGACACCAGGCCAACAGCG deleted on the plus strand (CGCTGTTGGCCTGGTGTCCAGCGTGGT on the coding strand, the reverse complement: PKD1 is on the minus strand); deleting any 27 consecutive bases within chr16:2,099,699-2,099,727 gives the same sequence; the c. name uses the placement nearest the transcript's 3' end. VCF-style (leftmost placement, unchanged base first): chr16-2099698-AACCACGCTGGACACCAGGCCAACAGCG-A. GRCh37 (hg19) VCF-style: chr16-2149699-AACCACGCTGGACACCAGGCCAACAGCG-A.
Other names: c.9969_9995del, p.Ala3324_Val3332del (NM_000296.4); c.9969_9995del27 (NM_001009944.2).
Identifiers: ClinVar variation 5000416 (VCV005000416.1).